The following is an entry in ClinVar:

NM_003183.6(ADAM17):c.81C>T (p.Gly27=)

Gene: ADAM17 (ADAM metallopeptidase domain 17; minus strand). Cytogenetic location: 2p25.1.
Variant type: single nucleotide variant.
Coding change: c.81C>T on transcript NM_003183.6 (MANE Select); coding-DNA position 81, C replaced by T.
Protein change: p.Gly27=; no amino-acid change (glycine 27 retained).
Molecular consequence: synonymous variant.
Genome position (GRCh38, 1-based): chr2:9,555,525, G>A on the plus strand (C>T on the coding strand, the complement: ADAM17 is on the minus strand). VCF-style: chr2-9555525-G-A. GRCh37 (hg19) VCF-style: chr2-9695654-G-A.
Other names: p.Gly27=.
Identifiers: ClinVar variation 719445 (VCV000719445.35), dbSNP rs138046330, ClinGen allele CA1523881.

ClinVar aggregate classification (germline): Benign/Likely benign. Review status: criteria provided, multiple submitters, no conflicts (2 of 4 stars). 3 submissions from 3 submitters: Benign (2); Likely benign (1). Last evaluated 2026-01-28.

Conditions:
Inflammatory skin and bowel disease, neonatal, 1. Identifiers: Orphanet 294023, MedGen C3280501, MONDO:0013693, OMIM 614328.

Allele frequency attached by ClinVar (database versions not stated): gnomAD 0.00034 and 0.00048; TOPMed 0.00036; ESP Exome Variant Server 0.00062; gnomAD exomes 0.00068 and 0.00102; 1000 Genomes Project 30x 0.00265; 1000 Genomes Project 0.00280; ExAC 0.00289.
gnomAD v4.1: 1,046 of 1,598,784 alleles (0.065%); highest among the groups gnomAD compares: South Asian, 0.57%; 9 homozygotes.

Submissions (3):

Labcorp Genetics (formerly Invitae), Labcorp
Classification: Benign for Inflammatory skin and bowel disease, neonatal, 1. Last evaluated: 2026-01-28. Review status: criteria provided, single submitter. Criteria: Invitae Variant Classification Sherloc (09022015). Collection method: clinical testing. Allele origin: germline.

Mayo Clinic Laboratories, Mayo Clinic
Classification: Benign. Last evaluated: 2025-09-15. Review status: criteria provided, single submitter. Criteria: ACMG Guidelines, 2015. Collection method: clinical testing. Allele origin: germline. Observed: 2 variant alleles.
Comment: BS1, BS2, BP4, BP7

CeGaT Center for Human Genetics Tuebingen
Classification: Likely benign. Last evaluated: 2022-04-01. Review status: criteria provided, single submitter. Criteria: CeGaT Center For Human Genetics Tuebingen Variant Classification Criteria Version 2. Collection method: clinical testing. Allele origin: germline. Affected: yes. Observed: 1 variant allele.
Comment: ADAM17: BP4, BP7